The following is an entry in ClinVar:

ClinVar aggregate classification (germline): Conflicting classifications of pathogenicity. Review status: criteria provided, conflicting classifications (1 of 4 stars). 6 submissions from 6 submitters: Uncertain significance (3); Benign (1); Likely benign (2). Last evaluated 2026-04-01.

Conditions:
Inborn genetic diseases. Identifiers: MedGen C0950123, MeSH D030342.

Allele frequency attached by ClinVar (database versions not stated): ExAC 0.00024; TOPMed 0.00027; gnomAD exomes 0.00028 and 0.00031; ESP Exome Variant Server 0.00031; gnomAD 0.00034 and 0.00035.

Submissions (6):

CeGaT Center for Human Genetics Tuebingen
Classification: Likely benign. Last evaluated: 2026-04-01. Review status: criteria provided, single submitter. Criteria: CeGaT Center For Human Genetics Tuebingen Variant Classification Criteria Version 2. Collection method: clinical testing. Allele origin: germline. Affected: yes. Observed: 4 variant alleles.
Comment: SPTBN2: BP4

Labcorp Genetics (formerly Invitae), Labcorp
Classification: Likely benign. Last evaluated: 2025-10-27. Review status: criteria provided, single submitter. Criteria: Invitae Variant Classification Sherloc (09022015). Collection method: clinical testing. Allele origin: germline.

GeneDx
Classification: Uncertain significance. Last evaluated: 2025-07-10. Review status: criteria provided, single submitter. Criteria: GeneDx Variant Classification Process June 2021. Collection method: clinical testing. Allele origin: germline. Affected: yes.
Comment: Reported previously in a patient with ataxia; however, the variant was not found in any other affected family members making it less likely to be the cause for the symptoms (PMID: 17940722); In silico analysis supports that this missense variant has a deleterious effect on protein structure/function; This variant is associated with the following publications: (PMID: 17940722)

Blueprint Genetics
Classification: Uncertain significance. Last evaluated: 2024-11-05. Review status: criteria provided, single submitter. Criteria: ACMG Guidelines, 2015. Collection method: clinical testing. Allele origin: germline.

Ambry Genetics
Classification: Uncertain significance for Inborn genetic diseases. Last evaluated: 2022-03-04. Review status: criteria provided, single submitter. Criteria: Ambry Variant Classification Scheme 2023. Collection method: clinical testing. Allele origin: germline.
Comment: Unlikely to be causative of autosomal dominant SPTBN2-related spinocerebellar ataxia Based on insufficient or conflicting evidence, the clinical significance of this alteration remains unclear.

Athena Diagnostics
Classification: Benign. Last evaluated: 2019-05-10. Review status: criteria provided, single submitter. Criteria: Athena Diagnostics Criteria. Collection method: clinical testing. Allele origin: germline.

Literature cited by the submitters: PubMed 17940722 (cited by Ambry Genetics and Athena Diagnostics).

NM_006946.4(SPTBN2):c.3671A>G (p.Asn1224Ser)

Gene: SPTBN2 (spectrin beta, non-erythrocytic 2; minus strand). Cytogenetic location: 11q13.2.
Variant type: single nucleotide variant.
Coding change: c.3671A>G on transcript NM_006946.4 (MANE Select); coding-DNA position 3671, A replaced by G.
Protein change: p.Asn1224Ser; replaces asparagine 1224 with serine.
Molecular consequence: missense variant.
Genome position (GRCh38, 1-based): chr11:66,699,511, T>C on the plus strand (A>G on the coding strand, the complement: SPTBN2 is on the minus strand). VCF-style: chr11-66699511-T-C. GRCh37 (hg19) VCF-style: chr11-66466982-T-C.
Other names: short protein forms N1224S.
Identifiers: ClinVar variation 586477 (VCV000586477.53), dbSNP rs139077453, ClinGen allele CA6128803.